The following is an entry in ClinVar:

NM_152594.3(SPRED1):c.1145A>T (p.Asp382Val)

Gene: SPRED1 (sprouty related EVH1 domain containing 1; plus strand). Cytogenetic location: 15q14.
Variant type: single nucleotide variant.
Coding change: c.1145A>T on transcript NM_152594.3 (MANE Select); coding-DNA position 1145, A replaced by T.
Protein change: p.Asp382Val; replaces aspartic acid 382 with valine.
Molecular consequence: missense variant.
Genome position (GRCh38, 1-based): chr15:38,351,474, A>T. VCF-style: chr15-38351474-A-T. GRCh37 (hg19) VCF-style: chr15-38643675-A-T.
Other names: short protein forms D382V.
Identifiers: ClinVar variation 2662977 (VCV002662977.1), dbSNP rs2542744060, ClinGen allele CA391934318.
Genomic context (GRCh38, chr15:38,351,474, plus strand): 5'-GCATATATCAAGTTAGTTGCATGCTCTGTGCAGAGAGCATGTTGTATCATTGTATGTCAG[A>T]CTCAGAGGGAGATTTTTCTGATCCCTGTTCGTGTGACACTAGCGACGACAAGTTCTGCTT-3'
Protein context (NP_689807.1, residues 372-392): AESMLYHCMS[Asp382Val]SEGDFSDPCS

ClinVar aggregate classification (germline): Uncertain significance (1 of 4 stars; one submission).

Submission:

GeneDx
Classification: Uncertain significance. Last evaluated: 2023-04-14. Review status: criteria provided, single submitter. Criteria: GeneDx Variant Classification Process June 2021. Collection method: clinical testing. Allele origin: germline. Affected: yes.
Comment: In silico analysis supports that this missense variant has a deleterious effect on protein structure/function; Not observed at significant frequency in large population cohorts (gnomAD); Has not been previously published as pathogenic or benign to our knowledge